The following is an entry in ClinVar:

ClinVar aggregate classification (germline): Likely pathogenic (1 of 4 stars; one submission).

Conditions:
Early-infantile DEE. Also called: Early infantile epileptic encephalopathy; Ohtahara syndrome; Early infantile epileptic encephalopathy with suppression bursts. Identifiers: Orphanet 1934, MedGen C0393706, MONDO:0800491.

Submission:

Labcorp Genetics (formerly Invitae), Labcorp
Classification: Likely pathogenic for Early-infantile DEE. Last evaluated: 2024-05-29. Review status: criteria provided, single submitter. Criteria: Invitae Variant Classification Sherloc (09022015). Collection method: clinical testing. Allele origin: germline.
Comment: This sequence change replaces methionine, which is neutral and non-polar, with isoleucine, which is neutral and non-polar, at codon 367 of the SCN8A protein (p.Met367Ile). This variant is not present in population databases (gnomAD no frequency). This missense change has been observed in individual(s) with seizure (Invitae). ClinVar contains an entry for this variant (Variation ID: 461331). Advanced modeling of protein sequence and biophysical properties (such as structural, functional, and spatial information, amino acid conservation, physicochemical variation, residue mobility, and thermodynamic stability) performed at Invitae indicates that this missense variant is expected to disrupt SCN8A protein function with a positive predictive value of 95%. This variant disrupts the p.Met367 amino acid residue in SCN8A. Other variant(s) that disrupt this residue have been determined to be pathogenic (Invitae). This suggests that this residue is clinically significant, and that variants that disrupt this residue are likely to be disease-causing. In summary, the currently available evidence indicates that the variant is pathogenic, but additional data are needed to prove that conclusively. Therefore, this variant has been classified as Likely Pathogenic.

NM_001330260.2(SCN8A):c.1101G>A (p.Met367Ile)

Gene: SCN8A (sodium voltage-gated channel alpha subunit 8; plus strand). Cytogenetic location: 12q13.13.
Variant type: single nucleotide variant.
Coding change: c.1101G>A on transcript NM_001330260.2 (MANE Select); coding-DNA position 1101, G replaced by A.
Protein change: p.Met367Ile; replaces methionine 367 with isoleucine.
Molecular consequence: missense variant.
Genome position (GRCh38, 1-based): chr12:51,702,881, G>A. VCF-style: chr12-51702881-G-A. GRCh37 (hg19) VCF-style: chr12-52096665-G-A.
Other names: c.1101G>A, p.Met367Ile (NM_001177984.3, NM_001369788.1, NM_014191.4); short protein forms M367I.
Identifiers: ClinVar variation 461331 (VCV000461331.11), dbSNP rs1555219147, ClinGen allele CA385227284.